The following is an entry in ClinVar:

NM_001347721.2(DYRK1A):c.872G>A (p.Arg291His)

Gene: DYRK1A (dual specificity tyrosine phosphorylation regulated kinase 1A; plus strand). Cytogenetic location: 21q22.13.
Variant type: single nucleotide variant.
Coding change: c.872G>A on transcript NM_001347721.2 (MANE Select); coding-DNA position 872, G replaced by A.
Protein change: p.Arg291His; replaces arginine 291 with histidine.
Molecular consequence: missense variant.
Genome position (GRCh38, 1-based): chr21:37,490,409, G>A. VCF-style: chr21-37490409-G-A. GRCh37 (hg19) VCF-style: chr21-38862711-G-A.
Other names: c.872G>A, p.Arg291His (NM_001347722.2, NM_130436.2); c.785G>A, p.Arg262His (NM_001347723.2); c.899G>A, p.Arg300His (NM_001396.5, NM_101395.2, NM_130438.2); short protein forms R262H, R291H, R300H.
Identifiers: ClinVar variation 2652659 (VCV002652659.24), dbSNP rs2518028596, ClinGen allele CA409947809.

ClinVar aggregate classification (germline): Uncertain significance (1 of 4 stars; one submission).

Submission:

CeGaT Center for Human Genetics Tuebingen
Classification: Uncertain significance. Last evaluated: 2023-01-01. Review status: criteria provided, single submitter. Criteria: CeGaT Center For Human Genetics Tuebingen Variant Classification Criteria Version 2. Collection method: clinical testing. Allele origin: germline. Affected: yes. Observed: 1 variant allele.
Comment: DYRK1A: PM2, PP2